The following is an entry in ClinVar:

ClinVar aggregate classification (germline): Conflicting classifications of pathogenicity. Review status: criteria provided, conflicting classifications (1 of 4 stars). 2 submissions from 2 submitters: Uncertain significance (1); Likely benign (1). Last evaluated 2024-05-01.

Conditions:
Ehlers-Danlos syndrome, classic type, 1 (EDSCL1). Also called: EHLERS-DANLOS SYNDROME, GRAVIS TYPE; EHLERS-DANLOS SYNDROME, SEVERE CLASSIC TYPE; Ehlers-Danlos syndrome, type 1; EDS I; Ehlers-Danlos Syndrome, Classic Type, COL5A1-Related. Identifiers: MedGen C0268335, MONDO:0019567, OMIM 130000.

Submissions (2):

GeneDx
Classification: Uncertain significance. Last evaluated: 2024-05-01. Review status: criteria provided, single submitter. Criteria: GeneDx Variant Classification Process June 2021. Collection method: clinical testing. Allele origin: germline. Affected: yes.
Comment: Not observed at significant frequency in large population cohorts (gnomAD); In silico analysis indicates that this missense variant does not alter protein structure/function; Has not been previously published as pathogenic or benign to our knowledge

Labcorp Genetics (formerly Invitae), Labcorp
Classification: Likely benign for Ehlers-Danlos syndrome, classic type, 1. Last evaluated: 2022-02-22. Review status: criteria provided, single submitter. Criteria: Invitae Variant Classification Sherloc (09022015). Collection method: clinical testing. Allele origin: germline.

NM_000393.5(COL5A2):c.3070G>A (p.Ala1024Thr)

Gene: COL5A2 (collagen type V alpha 2 chain; minus strand). Cytogenetic location: 2q32.2.
Variant type: single nucleotide variant.
Coding change: c.3070G>A on transcript NM_000393.5 (MANE Select); coding-DNA position 3070, G replaced by A.
Protein change: p.Ala1024Thr; replaces alanine 1024 with threonine.
Molecular consequence: missense variant.
Genome position (GRCh38, 1-based): chr2:189,049,424, C>T on the plus strand (G>A on the coding strand, the complement: COL5A2 is on the minus strand). VCF-style: chr2-189049424-C-T. GRCh37 (hg19) VCF-style: chr2-189914150-C-T.
Other names: c.3070G>A (NM_000393.3); short protein forms A1024T.
Identifiers: ClinVar variation 1988059 (VCV001988059.5), dbSNP rs1257172706, ClinGen allele CA349865804.